The following is an entry in ClinVar:

NM_145038.5(DRC1):c.1205G>A (p.Trp402Ter)

Gene: DRC1 (dynein regulatory complex subunit 1; plus strand). Cytogenetic location: 2p23.3.
Variant type: single nucleotide variant.
Coding change: c.1205G>A on transcript NM_145038.5 (MANE Select); coding-DNA position 1205, G replaced by A.
Protein change: p.Trp402Ter; replaces tryptophan 402 with a stop codon.
Molecular consequence: nonsense.
Genome position (GRCh38, 1-based): chr2:26,444,757, G>A. VCF-style: chr2-26444757-G-A. GRCh37 (hg19) VCF-style: chr2-26667625-G-A.
Other names: short protein forms W402*.
Identifiers: ClinVar variation 3342719 (VCV003342719.1).

ClinVar aggregate classification (germline): Pathogenic (1 of 4 stars; one submission).

gnomAD v4.1: 2 of 1,614,030 alleles (0.00012%); highest among the groups gnomAD compares: Admixed American, 0.0017%; no homozygotes.

Submission:

GeneDx
Classification: Pathogenic. Last evaluated: 2023-11-17. Review status: criteria provided, single submitter. Criteria: GeneDx Variant Classification Process June 2021. Collection method: clinical testing. Allele origin: germline. Affected: yes.
Comment: Nonsense variant predicted to result in protein truncation or nonsense mediated decay in a gene for which loss of function is a known mechanism of disease; Not observed at significant frequency in large population cohorts (gnomAD); This variant is associated with the following publications: (PMID: 32108610)